The following is an entry in ClinVar:

ClinVar aggregate classification (germline): Uncertain significance (1 of 4 stars; one submission).

Conditions:
Inborn genetic diseases. Identifiers: MedGen C0950123, MeSH D030342.

Submission:

Ambry Genetics
Classification: Uncertain significance for Inborn genetic diseases. Last evaluated: 2025-10-22. Review status: criteria provided, single submitter. Criteria: Ambry Variant Classification Scheme 2023. Collection method: clinical testing. Allele origin: germline.
Comment: The p.P1097L variant (also known as c.3290C>T), located in coding exon 13 of the ASXL1 gene, results from a C to T substitution at nucleotide position 3290. The proline at codon 1097 is replaced by leucine, an amino acid with similar properties. This amino acid position is conserved. In addition, this alteration is predicted to be tolerated by in silico analysis. Based on the available evidence, the clinical significance of this variant remains unclear.

NM_015338.6(ASXL1):c.3290C>T (p.Pro1097Leu)

Gene: ASXL1 (ASXL transcriptional regulator 1; plus strand). Cytogenetic location: 20q11.21.
Variant type: single nucleotide variant.
Coding change: c.3290C>T on transcript NM_015338.6 (MANE Select); coding-DNA position 3290, C replaced by T.
Protein change: p.Pro1097Leu; replaces proline 1097 with leucine.
Molecular consequence: missense variant.
Genome position (GRCh38, 1-based): chr20:32,436,002, C>T. VCF-style: chr20-32436002-C-T. GRCh37 (hg19) VCF-style: chr20-31023805-C-T.
Other names: c.3107C>T, p.Pro1036Leu (NM_001363734.1); short protein forms P1036L, P1097L.
Identifiers: ClinVar variation 4588037 (VCV004588037.1).